The following is an entry in ClinVar:

NM_004519.4(KCNQ3):c.17G>A (p.Arg6His)

Gene: KCNQ3 (potassium voltage-gated channel subfamily Q member 3; minus strand). Cytogenetic location: 8q24.22.
Variant type: single nucleotide variant.
Coding change: c.17G>A on transcript NM_004519.4 (MANE Select); coding-DNA position 17, G replaced by A.
Protein change: p.Arg6His; replaces arginine 6 with histidine.
Molecular consequence: missense variant.
Genome position (GRCh38, 1-based): chr8:132,480,516, C>T on the plus strand (G>A on the coding strand, the complement: KCNQ3 is on the minus strand). VCF-style: chr8-132480516-C-T. GRCh37 (hg19) VCF-style: chr8-133492763-C-T.
Other names: short protein forms R6H.
Identifiers: ClinVar variation 3713623 (VCV003713623.3).

ClinVar aggregate classification (germline): Uncertain significance. Review status: criteria provided, multiple submitters, no conflicts (2 of 4 stars). 2 submissions from 2 submitters: Uncertain significance (2). Last evaluated 2025-12-26.

Conditions:
Benign neonatal seizures. Also called: Convulsions benign familial neonatal dominant form; Autosomal dominant form of benign neonatal seizures; Benign neonatal familial convulsions; Benign familial neonatal epilepsy; Benign familial neonatal seizures. Identifiers: Orphanet 1949, MedGen C0220669, MONDO:0016027.

gnomAD v4.1: 2 of 1,157,130 alleles (0.00017%); highest among the groups gnomAD compares: Non-Finnish European, 0.00021%; no homozygotes.

Submissions (2):

Women's Health and Genetics/Laboratory Corporation of America, LabCorp
Classification: Uncertain significance. Last evaluated: 2025-12-26. Review status: criteria provided, single submitter. Criteria: LabCorp Variant Classification Summary - May 2015. Collection method: clinical testing. Allele origin: germline.
Comment: Variant summary: KCNQ3 c.17G>A (p.Arg6His) results in a non-conservative amino acid change in the encoded protein sequence. Algorithms developed to predict the effect of missense changes on protein structure and function are either unavailable or do not agree on the potential impact of this missense change. The frequency data for this variant in gnomAD is considered unreliable, as metrics indicate poor data quality at this position. To our knowledge, no occurrence of c.17G>A in individuals affected with KCNQ3-related conditions and no experimental evidence demonstrating its impact on protein function have been reported. ClinVar contains an entry for this variant (Variation ID: 3713623). Based on the evidence outlined above, the variant was classified as uncertain significance.

Labcorp Genetics (formerly Invitae), Labcorp
Classification: Uncertain significance for Benign neonatal seizures. Last evaluated: 2025-02-23. Review status: criteria provided, single submitter. Criteria: Invitae Variant Classification Sherloc (09022015). Collection method: clinical testing. Allele origin: germline.
Comment: This sequence change replaces arginine, which is basic and polar, with histidine, which is basic and polar, at codon 6 of the KCNQ3 protein (p.Arg6His). The frequency data for this variant in the population databases is considered unreliable, as metrics indicate poor data quality at this position in the gnomAD database. This variant has not been reported in the literature in individuals affected with KCNQ3-related conditions. Invitae Evidence Modeling of protein sequence and biophysical properties (such as structural, functional, and spatial information, amino acid conservation, physicochemical variation, residue mobility, and thermodynamic stability) indicates that this missense variant is not expected to disrupt KCNQ3 protein function with a negative predictive value of 95%. In summary, the available evidence is currently insufficient to determine the role of this variant in disease. Therefore, it has been classified as a Variant of Uncertain Significance.